The following is an entry in ClinVar:

ClinVar aggregate classification (germline): Likely pathogenic (1 of 4 stars; one submission).

Allele frequency attached by ClinVar (database versions not stated): gnomAD exomes below 0.00001 and 0.00001; ExAC 0.00001; gnomAD 0.00001; TOPMed 0.00001.
gnomAD v4.1: 19 of 1,614,110 alleles (0.0012%); highest among the groups gnomAD compares: Admixed American, 0.0033%; no homozygotes.

Submission:

Labcorp Genetics (formerly Invitae), Labcorp
Classification: Likely pathogenic. Last evaluated: 2025-12-22. Review status: criteria provided, single submitter. Criteria: Invitae Variant Classification Sherloc (09022015). Collection method: clinical testing. Allele origin: germline.
Comment: This sequence change replaces methionine, which is neutral and non-polar, with threonine, which is neutral and polar, at codon 44 of the RHO protein (p.Met44Thr). This variant is present in population databases (rs774336493, gnomAD 0.003%). This missense change has been observed in individuals with autosomal dominant retinitis pigmentosa (PMID: 8076945, 29847639; internal data). ClinVar contains an entry for this variant (Variation ID: 1516944). Invitae Evidence Modeling of protein sequence and biophysical properties (such as structural, functional, and spatial information, amino acid conservation, physicochemical variation, residue mobility, and thermodynamic stability) has been performed for this missense variant. However, the output from this modeling did not meet the statistical confidence thresholds required to predict the impact of this variant on RHO protein function. Experimental studies have shown that this missense change affects RHO function (PMID: 12646201, 19913029, 30240733). In summary, the currently available evidence indicates that the variant is pathogenic, but additional data are needed to prove that conclusively. Therefore, this variant has been classified as Likely Pathogenic.

Literature cited by the submitters: PubMed 8076945; PubMed 29847639; PubMed 12646201; PubMed 19913029; PubMed 30240733.

NM_000539.3(RHO):c.131T>C (p.Met44Thr)

Gene: RHO (rhodopsin; plus strand). Cytogenetic location: 3q22.1.
Variant type: single nucleotide variant.
Coding change: c.131T>C on transcript NM_000539.3 (MANE Select); coding-DNA position 131, T replaced by C.
Protein change: p.Met44Thr; replaces methionine 44 with threonine.
Molecular consequence: missense variant.
Genome position (GRCh38, 1-based): chr3:129,528,864, T>C. VCF-style: chr3-129528864-T-C. GRCh37 (hg19) VCF-style: chr3-129247707-T-C.
Other names: short protein forms M44T.
Identifiers: ClinVar variation 1516944 (VCV001516944.6), dbSNP rs774336493, ClinGen allele CA2607067.